The following is an entry in ClinVar:

ClinVar aggregate classification (germline): Conflicting classifications of pathogenicity. Review status: criteria provided, conflicting classifications (1 of 4 stars). 3 submissions from 3 submitters: Uncertain significance (2); Likely benign (1). Last evaluated 2026-07-20.

Conditions:
PRPF31-related disorder. Also called: PRPF31-related condition.

Allele frequency attached by ClinVar (database versions not stated): gnomAD 0.00005 and 0.00006; TOPMed 0.00005; gnomAD exomes 0.00006; ExAC 0.00007.
gnomAD v4.1: 100 of 1,614,024 alleles (0.0062%); highest among the groups gnomAD compares: South Asian, 0.016%; no homozygotes.

Submissions (3):

PreventionGenetics, part of Exact Sciences
Classification: Uncertain significance for PRPF31-related condition. Last evaluated: 2026-07-20. Review status: criteria provided, single submitter. Criteria: ACMG Guidelines, 2015. Collection method: clinical testing. Allele origin: germline.
Comment: The PRPF31 c.392A>G variant is predicted to result in the amino acid substitution p.Asn131Ser. To our knowledge, this variant has not been reported in the literature. This variant is reported in 0.012% of alleles in individuals of African descent in gnomAD, which may be too frequent to be a primary cause of disease. Although we suspect that this variant may be benign, at this time, the clinical significance of this variant is uncertain due to the absence of conclusive functional and genetic evidence.

Labcorp Genetics (formerly Invitae), Labcorp
Classification: Uncertain significance. Last evaluated: 2025-04-22. Review status: criteria provided, single submitter. Criteria: Invitae Variant Classification Sherloc (09022015). Collection method: clinical testing. Allele origin: germline.
Comment: This sequence change replaces asparagine, which is neutral and polar, with serine, which is neutral and polar, at codon 131 of the PRPF31 protein (p.Asn131Ser). This variant is present in population databases (rs770719374, gnomAD 0.01%). This variant has not been reported in the literature in individuals affected with PRPF31-related conditions. ClinVar contains an entry for this variant (Variation ID: 1063020). An algorithm developed to predict the effect of missense changes on protein structure and function outputs the following: PolyPhen-2: "Benign". The serine amino acid residue is found in multiple mammalian species, which suggests that this missense change does not adversely affect protein function. In summary, the available evidence is currently insufficient to determine the role of this variant in disease. Therefore, it has been classified as a Variant of Uncertain Significance.

Blueprint Genetics
Classification: Likely benign. Last evaluated: 2022-09-07. Review status: criteria provided, single submitter. Criteria: ACMG Guidelines, 2015. Collection method: clinical testing. Allele origin: germline.

NM_015629.4(PRPF31):c.392A>G (p.Asn131Ser)

Genes: PRPF31 (pre-mRNA processing factor 31; plus strand), PRPF31-AS1 (PRPF31 antisense RNA 1; minus strand). Cytogenetic location: 19q13.42.
Variant type: single nucleotide variant.
Coding change: c.392A>G on transcript NM_015629.4 (MANE Select); coding-DNA position 392, A replaced by G.
Protein change: p.Asn131Ser; replaces asparagine 131 with serine.
Molecular consequence: missense variant.
Genome position (GRCh38, 1-based): chr19:54,122,566, A>G. VCF-style: chr19-54122566-A-G. GRCh37 (hg19) VCF-style: chr19-54625945-A-G.
Other names: c.392A>G (NM_015629.3); short protein forms N131S.
Identifiers: ClinVar variation 1063020 (VCV001063020.11), dbSNP rs770719374, ClinGen allele CA309323982.